The following is an entry in ClinVar:

NM_019842.4(KCNQ5):c.1675G>C (p.Asp559His)

Gene: KCNQ5 (potassium voltage-gated channel subfamily Q member 5; plus strand). Cytogenetic location: 6q13.
Variant type: single nucleotide variant.
Coding change: c.1675G>C on transcript NM_019842.4 (MANE Select); coding-DNA position 1675, G replaced by C.
Protein change: p.Asp559His; replaces aspartic acid 559 with histidine.
Molecular consequence: missense variant.
Genome position (GRCh38, 1-based): chr6:73,190,670, G>C. VCF-style: chr6-73190670-G-C. GRCh37 (hg19) VCF-style: chr6-73900393-G-C.
Other names: c.1648G>C, p.Asp550His (NM_001160130.2); c.1705G>C, p.Asp569His (NM_001160132.2); c.1732G>C, p.Asp578His (NM_001160133.2); c.1345G>C, p.Asp449His (NM_001160134.2); short protein forms D449H, D550H, D559H, D569H, D578H.
Identifiers: ClinVar variation 1720964 (VCV001720964.5), dbSNP rs2533919902, ClinGen allele CA364693271.

ClinVar aggregate classification (germline): Uncertain significance (1 of 4 stars; one submission).

Submission:

Labcorp Genetics (formerly Invitae), Labcorp
Classification: Uncertain significance. Last evaluated: 2022-10-04. Review status: criteria provided, single submitter. Criteria: Invitae Variant Classification Sherloc (09022015). Collection method: clinical testing. Allele origin: germline.
Comment: In summary, the available evidence is currently insufficient to determine the role of this variant in disease. Therefore, it has been classified as a Variant of Uncertain Significance. Advanced modeling of protein sequence and biophysical properties (such as structural, functional, and spatial information, amino acid conservation, physicochemical variation, residue mobility, and thermodynamic stability) performed at Invitae indicates that this missense variant is expected to disrupt KCNQ5 protein function. This variant has not been reported in the literature in individuals affected with KCNQ5-related conditions. This variant is not present in population databases (gnomAD no frequency). This sequence change replaces aspartic acid, which is acidic and polar, with histidine, which is basic and polar, at codon 578 of the KCNQ5 protein (p.Asp578His).